The following is an entry in ClinVar:

ClinVar aggregate classification (germline): Uncertain significance (1 of 4 stars; one submission).

Conditions:
Juvenile polyposis syndrome (JPS). Identifiers: Orphanet 2929, MedGen C0345893, MONDO:0017380, OMIM 174900.

Submission:

Labcorp Genetics (formerly Invitae), Labcorp
Classification: Uncertain significance for Juvenile polyposis syndrome. Last evaluated: 2019-09-20. Review status: criteria provided, single submitter. Criteria: Invitae Variant Classification Sherloc (09022015). Collection method: clinical testing. Allele origin: germline.
Comment: This sequence change replaces isoleucine with threonine at codon 230 of the BMPR1A protein (p.Ile230Thr). The isoleucine residue is highly conserved and there is a moderate physicochemical difference between isoleucine and threonine. In summary, the available evidence is currently insufficient to determine the role of this variant in disease. Therefore, it has been classified as a Variant of Uncertain Significance. Algorithms developed to predict the effect of missense changes on protein structure and function (SIFT, PolyPhen-2, Align-GVGD) all suggest that this variant is likely to be disruptive, but these predictions have not been confirmed by published functional studies and their clinical significance is uncertain. This variant has not been reported in the literature in individuals with BMPR1A-related conditions. This variant is not present in population databases (ExAC no frequency).

NM_004329.3(BMPR1A):c.689T>C (p.Ile230Thr)

Gene: BMPR1A (bone morphogenetic protein receptor type 1A; plus strand). Cytogenetic location: 10q23.2.
Variant type: single nucleotide variant.
Coding change: c.689T>C on transcript NM_004329.3 (MANE Select); coding-DNA position 689, T replaced by C.
Protein change: p.Ile230Thr; replaces isoleucine 230 with threonine.
Molecular consequence: missense variant.
Genome position (GRCh38, 1-based): chr10:86,917,147, T>C. VCF-style: chr10-86917147-T-C. GRCh37 (hg19) VCF-style: chr10-88676904-T-C.
Other names: short protein forms I230T.
Identifiers: ClinVar variation 961894 (VCV000961894.10), dbSNP rs1843582763, ClinGen allele CA377456922.